The following is an entry in ClinVar:

NM_000059.4(BRCA2):c.4487C>T (p.Pro1496Leu)

Gene: BRCA2 (BRCA2 DNA repair associated; plus strand). Cytogenetic location: 13q13.1.
Variant type: single nucleotide variant.
Coding change: c.4487C>T on transcript NM_000059.4 (MANE Select); coding-DNA position 4487, C replaced by T.
Protein change: p.Pro1496Leu; replaces proline 1496 with leucine.
Molecular consequence: missense variant.
Genome position (GRCh38, 1-based): chr13:32,338,842, C>T. VCF-style: chr13-32338842-C-T. GRCh37 (hg19) VCF-style: chr13-32912979-C-T.
Other names: short protein forms P1496L.
Identifiers: ClinVar variation 942710 (VCV000942710.13), dbSNP rs2072505667, ClinGen allele CA387781533.
Genomic context (GRCh38, chr13:32,338,842, plus strand): 5'-ACATTCTAAGTTATGAGGAAACAGACATAGTTAAACACAAAATACTGAAAGAAAGTGTCC[C>T]AGTTGGTACTGGAAATCAACTAGTGACCTTCCAGGGACAACCCGAACGTGATGAAAAGAT-3'
Protein context (NP_000050.3, residues 1486-1506): VKHKILKESV[Pro1496Leu]VGTGNQLVTF

ClinVar aggregate classification (germline): Conflicting classifications of pathogenicity. Review status: criteria provided, conflicting classifications (1 of 4 stars). 3 submissions from 3 submitters: Uncertain significance (2); Likely benign (1). Last evaluated 2023-03-23.

Conditions:
Hereditary breast ovarian cancer syndrome. Also called: Hereditary breast and/or ovarian cancer syndrome; Hereditary breast and ovarian cancer syndrome; Hereditary breast and ovarian cancer; Hereditary breast and ovarian cancer syndrome (HBOC); Breast and ovarian cancer; BRCA1- and BRCA2-Associated Hereditary Breast and Ovarian Cancer. Identifiers: Orphanet 145, MedGen C0677776, MeSH D061325, MONDO:0003582. Disease mechanism: loss of function.
Hereditary cancer-predisposing syndrome. Also called: Hereditary neoplastic syndrome; Neoplastic Syndromes, Hereditary; Tumor predisposition; Hereditary Cancer Syndrome. Identifiers: Orphanet 140162, MedGen C0027672, MeSH D009386, MONDO:0015356.

Allele frequency attached by ClinVar (database versions not stated): gnomAD exomes below 0.00001.
gnomAD v4.1: 1 of 1,613,704 alleles (0.000062%); highest among the groups gnomAD compares: East Asian, 0.0022%; no homozygotes.

Submissions (3):

University of Washington Department of Laboratory Medicine, University of Washington
Classification: Likely benign for Hereditary cancer-predisposing syndrome. Last evaluated: 2023-03-23. Review status: criteria provided, single submitter. Criteria: Dines et al. (Genet Med. 2020). Collection method: curation. Allele origin: germline.
Comment: Missense variant in a coldspot region where missense variants are very unlikely to be pathogenic (PMID:31911673).

BRCA2 exon 11 coldspot. Reclassification based on statistical prior probability.

Ambry Genetics
Classification: Uncertain significance for Hereditary cancer-predisposing syndrome. Last evaluated: 2022-04-11. Review status: criteria provided, single submitter. Criteria: Ambry Variant Classification Scheme 2023. Collection method: clinical testing. Allele origin: germline.
Comment: The p.P1496L variant (also known as c.4487C>T), located in coding exon 10 of the BRCA2 gene, results from a C to T substitution at nucleotide position 4487. The proline at codon 1496 is replaced by leucine, an amino acid with similar properties. This amino acid position is not well conserved in available vertebrate species. In addition, this alteration is predicted to be tolerated by in silico analysis. Since supporting evidence is limited at this time, the clinical significance of this alteration remains unclear.

Labcorp Genetics (formerly Invitae), Labcorp
Classification: Uncertain significance for Hereditary breast ovarian cancer syndrome. Last evaluated: 2021-12-24. Review status: criteria provided, single submitter. Criteria: Invitae Variant Classification Sherloc (09022015). Collection method: clinical testing. Allele origin: germline.
Comment: In summary, the available evidence is currently insufficient to determine the role of this variant in disease. Therefore, it has been classified as a Variant of Uncertain Significance. Advanced modeling of protein sequence and biophysical properties (such as structural, functional, and spatial information, amino acid conservation, physicochemical variation, residue mobility, and thermodynamic stability) performed at Invitae indicates that this missense variant is not expected to disrupt BRCA2 protein function. ClinVar contains an entry for this variant (Variation ID: 942710). This variant has not been reported in the literature in individuals affected with BRCA2-related conditions. This variant is not present in population databases (gnomAD no frequency). This sequence change replaces proline, which is neutral and non-polar, with leucine, which is neutral and non-polar, at codon 1496 of the BRCA2 protein (p.Pro1496Leu).